The following is an entry in ClinVar:

ClinVar aggregate classification (germline): Benign/Likely benign. Review status: criteria provided, multiple submitters, no conflicts (2 of 4 stars). 18 submissions from 15 submitters: Benign (9); Likely benign (6). 3 of the submissions do not count toward it. Last evaluated 2026-02-01.

Conditions:
Cardiovascular phenotype. Identifiers: MedGen CN230736.
Cardiac arrhythmia. Also called: Arrhythmia; Cardiac rhythm disease. Identifiers: MedGen C0003811, MONDO:0007263, HP:0011675.
Long QT syndrome (LQTS). Identifiers: MedGen C0023976, MeSH D008133, MONDO:0002442. Disease mechanism: loss of function. Inheritance: Various modes of inheritance.
Atrial fibrillation, familial, 3 (ATFB3). Identifiers: MedGen C1837014, MONDO:0011857, OMIM 607554.
Short QT syndrome type 2. Identifiers: Orphanet 51083, MedGen C1865019, MONDO:0012313, OMIM 609621.
Long QT syndrome 1 (LQT1). Identifiers: Orphanet 101016, Orphanet 768, MedGen C4551647, MONDO:0100316, OMIM 192500, MONDO:0008646.
Jervell and Lange-Nielsen syndrome 1 (JLNS1). Also called: CARDIOAUDITORY SYNDROME OF JERVELL AND LANGE-NIELSEN; DEAFNESS, CONGENITAL, AND FUNCTIONAL HEART DISEASE; PROLONGED QT INTERVAL IN EKG AND SUDDEN DEATH; SURDO-CARDIAC SYNDROME. Identifiers: Orphanet 768, Orphanet 90647, MedGen C4551509, MONDO:0024540, OMIM 220400.

Allele frequency attached by ClinVar (database versions not stated): gnomAD exomes 0.00060 and 0.00158; ExAC 0.00184; ESP Exome Variant Server 0.00454; gnomAD 0.00485 and 0.00524; 1000 Genomes Project 30x 0.00515; 1000 Genomes Project 0.00519; TOPMed 0.00573.
gnomAD v4.1: 1,671 of 1,612,882 alleles (0.1%); highest among the groups gnomAD compares: African/African-American, 1.6%; 5 homozygotes.

Submissions (18):

Labcorp Genetics (formerly Invitae), Labcorp
Classification: Benign for Long QT syndrome. Last evaluated: 2026-02-01. Review status: criteria provided, single submitter. Criteria: Invitae Variant Classification Sherloc (09022015). Collection method: clinical testing. Allele origin: germline.

Molecular Diagnostic Laboratory for Inherited Cardiovascular Disease, Montreal Heart Institute
Classification: Benign. Last evaluated: 2025-04-09. Review status: criteria provided, single submitter. Criteria: ACMG Guidelines, 2015. Collection method: clinical testing. Allele origin: germline. Affected: no.

Blueprint Genetics
Classification: Likely benign. Last evaluated: 2024-10-22. Review status: criteria provided, single submitter. Criteria: ACMG Guidelines, 2015. Collection method: clinical testing. Allele origin: germline.

All of Us Research Program, National Institutes of Health
Classification: Benign for Long QT syndrome. Last evaluated: 2024-02-05. Review status: criteria provided, single submitter. Criteria: ACMG Guidelines, 2015. Collection method: clinical testing. Allele origin: germline. Inheritance: Autosomal dominant inheritance. Observed: 358 variant alleles, 357 heterozygotes, 1 homozygote.
Comment: This study involves interpretation of variants in research participants for the purpose of population health screening. Participant phenotype was not available at the time of variant classification. Additional details can be found in publication PMID: 35346344, PMCID: PMC8962531

Mayo Clinic Laboratories, Mayo Clinic
Classification: Benign. Last evaluated: 2023-12-11. Review status: criteria provided, single submitter. Criteria: ACMG Guidelines, 2015. Collection method: clinical testing. Allele origin: germline. Observed: 6 variant alleles.
Comment: BS1, BP4, BP7

ARUP Laboratories, Molecular Genetics and Genomics, ARUP Laboratories
Classification: Benign. Last evaluated: 2023-09-21. Review status: criteria provided, single submitter. Criteria: ARUP Molecular Germline Variant Investigation Process 2024. Collection method: clinical testing. Allele origin: germline.

Illumina Laboratory Services, Illumina
Classification: Likely benign for Jervell and Lange-Nielsen syndrome 1. Last evaluated: 2018-12-10. Review status: criteria provided, single submitter. Criteria: ICSL Variant Classification Criteria 13 December 2019. Collection method: clinical testing. Allele origin: germline.
Comment: This variant was observed as part of a predisposition screen in an ostensibly healthy population. A literature search was performed for the gene, cDNA change, and amino acid change (where applicable). No publications were found based on this search. Allele frequency data from public databases allowed determination this variant is unlikely to cause disease. Therefore, this variant is classified as likely benign.

Illumina Laboratory Services, Illumina
Classification: Likely benign for Atrial fibrillation, familial, 3. Last evaluated: 2018-12-10. Review status: criteria provided, single submitter. Criteria: ICSL Variant Classification Criteria 13 December 2019. Collection method: clinical testing. Allele origin: germline.
Comment: the same text as in the submission from Illumina Laboratory Services, Illumina above.

Illumina Laboratory Services, Illumina
Classification: Likely benign for Long QT syndrome 1. Last evaluated: 2018-12-10. Review status: criteria provided, single submitter. Criteria: ICSL Variant Classification Criteria 13 December 2019. Collection method: clinical testing. Allele origin: germline.
Comment: the same text as in the submission from Illumina Laboratory Services, Illumina above.

Illumina Laboratory Services, Illumina
Classification: Likely benign for Short QT syndrome type 2. Last evaluated: 2018-12-10. Review status: criteria provided, single submitter. Criteria: ICSL Variant Classification Criteria 13 December 2019. Collection method: clinical testing. Allele origin: germline.
Comment: the same text as in the submission from Illumina Laboratory Services, Illumina above.

Color Diagnostics, LLC DBA Color Health
Classification: Benign for Arrhythmia. Last evaluated: 2018-03-08. Review status: criteria provided, single submitter. Criteria: ACMG Guidelines, 2015. Collection method: clinical testing. Allele origin: germline.

Ambry Genetics
Classification: Benign for Cardiovascular phenotype. Last evaluated: 2016-06-17. Review status: criteria provided, single submitter. Criteria: Ambry Variant Classification Scheme 2023. Collection method: clinical testing. Allele origin: germline.

GeneDx
Classification: Benign. Last evaluated: 2015-03-03. Review status: criteria provided, single submitter. Criteria: GeneDx Variant Classification Process June 2021. Collection method: clinical testing. Allele origin: germline. Affected: yes.

Laboratory for Molecular Medicine, Mass General Brigham Personalized Medicine
Classification: Benign. Last evaluated: 2012-04-30. Review status: criteria provided, single submitter. Criteria: LMM Criteria. Collection method: clinical testing. Allele origin: germline. Observed: 6 variant alleles.
Comment: His240His in Exon 05 of KCNQ1: This variant is not expected to have clinical sig nificance because it does not alter an amino acid residue, is not located within the splice consensus sequence, and has been identified in 1.1% (42/3728) of Afr ican American chromosomes from a broad population by the NHLBI Exome Sequencing Project (dbSNP rs28730754).

Breakthrough Genomics
Classification: Likely benign. Review status: criteria provided, single submitter. Criteria: ACMG Guidelines, 2015. Collection method: not provided. Allele origin: germline. Inheritance: Autosomal recessive inheritance. Affected: yes.

Clinical Genetics DNA and cytogenetics Diagnostics Lab, Erasmus MC, Erasmus Medical Center
Classification: Benign. Review status: no assertion criteria provided. Collection method: clinical testing. Allele origin: germline. Affected: yes. Study: VKGL Data-share Consensus. Not counted in ClinVar's aggregate classification.

Clinical Genetics, Academic Medical Center
Classification: Benign. Review status: no assertion criteria provided. Collection method: clinical testing. Allele origin: germline. Affected: yes. Study: VKGL Data-share Consensus. Not counted in ClinVar's aggregate classification.

Joint Genome Diagnostic Labs from Nijmegen and Maastricht, Radboudumc and MUMC+
Classification: Likely benign. Review status: no assertion criteria provided. Collection method: clinical testing. Allele origin: germline. Affected: yes. Study: VKGL Data-share Consensus. Not counted in ClinVar's aggregate classification.

NM_000218.3(KCNQ1):c.720C>T (p.His240=)

Gene: KCNQ1 (potassium voltage-gated channel subfamily Q member 1; plus strand). Cytogenetic location: 11p15.5.
Variant type: single nucleotide variant.
Coding change: c.720C>T on transcript NM_000218.3 (MANE Select); coding-DNA position 720, C replaced by T.
Protein change: p.His240=; no amino-acid change (histidine 240 retained).
Molecular consequence: synonymous variant. On other transcripts: intron variant (1).
Genome position (GRCh38, 1-based): chr11:2,572,049, C>T. VCF-style: chr11-2572049-C-T. GRCh37 (hg19) VCF-style: chr11-2593279-C-T.
Other names: p.His240=; c.720C>T, p.His240= (NM_001406836.1); c.450C>T, p.His150= (NM_001406837.1); c.339C>T, p.His113= (NM_181798.2); c.478-11386C>T (NM_001406838.1).
Identifiers: ClinVar variation 42493 (VCV000042493.78), dbSNP rs28730754, ClinGen allele CA007962.
Genomic context (GRCh38, chr11:2,572,049, plus strand): 5'-AGCCCCACACCATCTCCTTCGCAGGGGCATCCGCTTCCTGCAGATCCTGAGGATGCTACA[C>T]GTCGACCGCCAGGGAGGCACCTGGAGGCTCCTGGGCTCCGTGGTCTTCATCCACCGCCAG-3'
Protein context (NP_000209.2, residues 230-250): IRFLQILRML[His240=]VDRQGGTWRL